The following is an entry in ClinVar:

NM_018965.4(TREM2):c.377T>G (p.Val126Gly)

Gene: TREM2 (triggering receptor expressed on myeloid cells 2; minus strand). Cytogenetic location: 6p21.1.
Variant type: single nucleotide variant.
Coding change: c.377T>G on transcript NM_018965.4 (MANE Select); coding-DNA position 377, T replaced by G.
Protein change: p.Val126Gly; replaces valine 126 with glycine.
Molecular consequence: missense variant.
Genome position (GRCh38, 1-based): chr6:41,161,277, A>C on the plus strand (T>G on the coding strand, the complement: TREM2 is on the minus strand). VCF-style: chr6-41161277-A-C. GRCh37 (hg19) VCF-style: chr6-41129015-A-C.
Other names: c.377T>G, p.Val126Gly (NM_001271821.2); short protein forms V126G.
Identifiers: ClinVar variation 5218 (VCV000005218.5), dbSNP rs121908402, ClinGen allele CA340365.
Genomic context (GRCh38, chr6:41,161,277, plus strand): 5'-GGCCTGGAACAGGGGCAGGCCAGAGAGGCAGCCACTGCCCACTCACCTGCCAGCACCTCC[A>C]CCAGGACCTTCCTGAGGGTGTCAGCCTCACTGCCATGGAGGCTCTGGCACTGGTAGAGAC-3'
Protein context (NP_061838.1, residues 116-136): SEADTLRKVL[Val126Gly]EVLADPLDHR

ClinVar aggregate classification (germline): Pathogenic/Likely pathogenic. Review status: criteria provided, multiple submitters, no conflicts (2 of 4 stars). 5 submissions from 5 submitters: Pathogenic (1); Likely pathogenic (2). 2 of the submissions do not count toward it. Last evaluated 2025-03-20.

Conditions:
TREM2-related disorder. Also called: TREM2-related condition.
Polycystic lipomembranous osteodysplasia with sclerosing leukoencephalopathy 2. Also called: TREM2-Related Polycystic Lipomembranous Osteodysplasia with Sclerosing Leukoencephalopathy. Identifiers: MedGen C4748657, MONDO:0020750, OMIM 618193.
Polycystic lipomembranous osteodysplasia with sclerosing leukoencephalopathy 1 (PLOSL1). Also called: TYROBP-Related Polycystic Lipomembranous Osteodysplasia with Sclerosing Leukoencephalopathy. Identifiers: Orphanet 2770, MedGen C4721893, MONDO:0020749, OMIM 221770.

Allele frequency attached by ClinVar (database versions not stated): gnomAD exomes below 0.00001 and 0.00001; ExAC 0.00001.
gnomAD v4.1: 6 of 1,613,976 alleles (0.00037%); highest among the groups gnomAD compares: South Asian, 0.0066%; no homozygotes.

Submissions (5):

Labcorp Genetics (formerly Invitae), Labcorp
Classification: Likely pathogenic. Last evaluated: 2025-03-20. Review status: criteria provided, single submitter. Criteria: Invitae Variant Classification Sherloc (09022015). Collection method: clinical testing. Allele origin: germline.
Comment: This sequence change replaces valine, which is neutral and non-polar, with glycine, which is neutral and non-polar, at codon 126 of the TREM2 protein (p.Val126Gly). This variant is present in population databases (rs121908402, gnomAD 0.01%). This missense change has been observed in individuals with autosomal recessive Nasu-Hakola disease (PMID: 15883308, 28334938). ClinVar contains an entry for this variant (Variation ID: 5218). An algorithm developed to predict the effect of missense changes on protein structure and function (PolyPhen-2) suggests that this variant is likely to be disruptive. Experimental studies have shown that this missense change affects TREM2 function (PMID: 27995897, 28768830). In summary, the currently available evidence indicates that the variant is pathogenic, but additional data are needed to prove that conclusively. Therefore, this variant has been classified as Likely Pathogenic.

PreventionGenetics, part of Exact Sciences
Classification: Pathogenic for TREM2-related condition. Last evaluated: 2022-12-14. Review status: criteria provided, single submitter. Criteria: ACMG Guidelines, 2015. Collection method: clinical testing. Allele origin: germline.
Comment: The TREM2 c.377T>G variant is predicted to result in the amino acid substitution p.Val126Gly. This variant has been reported in individuals with Nasu-Hakola disease, also referred to as polycystic lipomembranous osteodysplasia with sclerosing leukoencephalopathy (Klünemann et al 2005. PubMed ID: 15883308; Lynch DS et al 2017. PubMed ID: 28334938). Functional studies showed the p.Val126Gly change disrupts TREM2 trafficking to the cell membrane and impairs function (Sirkis DW et al 2017. PubMed ID: 28768830; Kober DL et al 2016. PubMed ID: 27995897). This variant is reported in 0.0098% of alleles in individuals of South Asian descent in gnomAD.This variant is interpreted as pathogenic.

SIB Swiss Institute of Bioinformatics
Classification: Likely pathogenic for Polycystic lipomembranous osteodysplasia with sclerosing leukoencephalopathy 2. Last evaluated: 2019-10-17. Review status: criteria provided, single submitter. Criteria: ACMG Guidelines, 2015. Collection method: curation. Allele origin: unknown.
Comment: This variant is interpreted as Likely pathogenic for Polycystic lipomembranous osteodysplasia with sclerosing leukoencephalopathy 2 , autosomal recessive. The following ACMG Tag(s) were applied: PM2, PP3, PM3, PS3.

OMIM
Classification: Pathogenic for POLYCYSTIC LIPOMEMBRANOUS OSTEODYSPLASIA WITH SCLEROSING LEUKOENCEPHALOPATHY 2. Last evaluated: 2005-05-10. Review status: no assertion criteria provided. Collection method: literature only. Allele origin: germline. Not counted in ClinVar's aggregate classification.

GeneReviews
No classification provided. Condition: Polycystic lipomembranous osteodysplasia with sclerosing leukoencephalopathy 1. Review status: no classification provided. Collection method: literature only. Allele origin: germline. Affected: yes. Not counted in ClinVar's aggregate classification.

Literature cited by the submitters: PubMed 15883308 (cited by 4 submitters); PubMed 28334938 (cited by Labcorp Genetics (formerly Invitae), Labcorp); PubMed 27995897 (cited by Labcorp Genetics (formerly Invitae), Labcorp and SIB Swiss Institute of Bioinformatics); PubMed 28768830 (cited by Labcorp Genetics (formerly Invitae), Labcorp and SIB Swiss Institute of Bioinformatics); NCBI Bookshelf NBK1197 (cited by GeneReviews).